The following is an entry in ClinVar:

ClinVar aggregate classification (germline): Likely pathogenic. Review status: reviewed by expert panel (3 of 4 stars). 3 submissions from 3 submitters: Likely pathogenic (1). 2 of the submissions do not count toward it. Last evaluated 2020-06-01.

Conditions:
Phenylketonuria (PKU). Also called: Phenylketonuria (PKU); FOLLING DISEASE; OLIGOPHRENIA PHENYLPYRUVICA; Phenylketonurias. Identifiers: Orphanet 716, MedGen C0031485, MONDO:0009861, OMIM 261600. Disease mechanism: loss of function.

Submissions (3):

ClinGen PAH Variant Curation Expert Panel
Classification: Likely pathogenic for Phenylketonuria. Last evaluated: 2020-06-01. Review status: reviewed by expert panel. Criteria: ClinGen PAH ACMG Specifications v1. Collection method: curation. Allele origin: germline. Inheritance: Autosomal recessive inheritance.
Comment: The c.613G>A (p.Glu205Lys) variant in PAH has been reported in 2 individuals with mild-moderate and classic PKU, in trans with pathogenic variant p.Arg243* in both patients (PMID: 27121329). This variant is absent in population databases. Computational evidence supports a deleterious effect. In summary, this variant meets criteria to be classified as likely pathogenic for PAH. PAH-specific ACMG/AMP criteria applied: PP4_Moderate, PM2, PM3_strong, PP3.

Labcorp Genetics (formerly Invitae), Labcorp
Classification: Likely pathogenic for Phenylketonuria. Last evaluated: 2019-12-08. Review status: criteria provided, single submitter. Criteria: Invitae Variant Classification Sherloc (09022015). Collection method: clinical testing. Allele origin: germline. Not counted in ClinVar's aggregate classification.
Comment: In summary, the currently available evidence indicates that the variant is pathogenic, but additional data are needed to prove that conclusively. Therefore, this variant has been classified as Likely Pathogenic. This variant disrupts the p.Glu205 amino acid residue in PAH. Other variant(s) that disrupt this residue have been observed in individuals with PAH-related conditions (PMID: 11139255, 22841515), which suggests that this may be a clinically significant amino acid residue. Algorithms developed to predict the effect of missense changes on protein structure and function are either unavailable or do not agree on the potential impact of this missense change (SIFT: "Not Available"; PolyPhen-2: "Probably Damaging"; Align-GVGD: "Not Available"). This variant has been observed in combination with another PAH variant in individuals affected with phenylketonuria (PMID: 27121329). ClinVar contains an entry for this variant (Variation ID: 102759). This variant is not present in population databases (ExAC no frequency). This sequence change replaces glutamic acid with lysine at codon 205 of the PAH protein (p.Glu205Lys). The glutamic acid residue is highly conserved and there is a small physicochemical difference between glutamic acid and lysine.

DeBelle Laboratory for Biochemical Genetics, MUHC/MCH RESEARCH INSTITUTE
No classification provided. Review status: no classification provided. Collection method: not provided. Allele origin: not provided. Not counted in ClinVar's aggregate classification.

Literature cited by the submitters: PubMed 27121329 (cited by ClinGen PAH Variant Curation Expert Panel and Labcorp Genetics (formerly Invitae), Labcorp); PubMed 11139255 (cited by Labcorp Genetics (formerly Invitae), Labcorp); PubMed 22841515 (cited by Labcorp Genetics (formerly Invitae), Labcorp).

NM_000277.3(PAH):c.613G>A (p.Glu205Lys)

Gene: PAH (phenylalanine hydroxylase; minus strand). Cytogenetic location: 12q23.2.
Variant type: single nucleotide variant.
Coding change: c.613G>A on transcript NM_000277.3 (MANE Select); coding-DNA position 613, G replaced by A.
Protein change: p.Glu205Lys; replaces glutamic acid 205 with lysine.
Molecular consequence: missense variant.
Genome position (GRCh38, 1-based): chr12:102,855,229, C>T on the plus strand (G>A on the coding strand, the complement: PAH is on the minus strand). VCF-style: chr12-102855229-C-T. GRCh37 (hg19) VCF-style: chr12-103249007-C-T.
Other names: c.613G>A, p.Glu205Lys (NM_001354304.2); short protein forms E205K.
Identifiers: ClinVar variation 102759 (VCV000102759.10), dbSNP rs63083560, ClinGen allele CA229656.